The following is an entry in ClinVar:

NM_015072.5(TTLL5):c.1483T>A (p.Tyr495Asn)

Gene: TTLL5 (tubulin tyrosine ligase like 5; plus strand). Cytogenetic location: 14q24.3.
Variant type: single nucleotide variant.
Coding change: c.1483T>A on transcript NM_015072.5 (MANE Select); coding-DNA position 1483, T replaced by A.
Protein change: p.Tyr495Asn; replaces tyrosine 495 with asparagine.
Molecular consequence: missense variant.
Genome position (GRCh38, 1-based): chr14:75,745,577, T>A. VCF-style: chr14-75745577-T-A. GRCh37 (hg19) VCF-style: chr14-76211920-T-A.
Other names: short protein forms Y495N.
Identifiers: ClinVar variation 1405866 (VCV001405866.8), dbSNP rs1594960482, ClinGen allele CA390465894.

ClinVar aggregate classification (germline): Uncertain significance (1 of 4 stars; one submission).

Submission:

Labcorp Genetics (formerly Invitae), Labcorp
Classification: Uncertain significance. Last evaluated: 2022-08-09. Review status: criteria provided, single submitter. Criteria: Invitae Variant Classification Sherloc (09022015). Collection method: clinical testing. Allele origin: germline.
Comment: In summary, the available evidence is currently insufficient to determine the role of this variant in disease. Therefore, it has been classified as a Variant of Uncertain Significance. Algorithms developed to predict the effect of missense changes on protein structure and function are either unavailable or do not agree on the potential impact of this missense change (SIFT: "Deleterious"; PolyPhen-2: "Benign"; Align-GVGD: "Class C65"). ClinVar contains an entry for this variant (Variation ID: 1405866). This variant has not been reported in the literature in individuals affected with TTLL5-related conditions. This variant is not present in population databases (gnomAD no frequency). This sequence change replaces tyrosine, which is neutral and polar, with asparagine, which is neutral and polar, at codon 495 of the TTLL5 protein (p.Tyr495Asn).